The following is an entry in ClinVar:

ClinVar aggregate classification (germline): Uncertain significance (1 of 4 stars; one submission).

gnomAD v4.1: 6 of 1,614,208 alleles (0.00037%); highest among the groups gnomAD compares: Non-Finnish European, 0.00051%; no homozygotes.

Submission:

Women's Health and Genetics/Laboratory Corporation of America, LabCorp
Classification: Uncertain significance. Last evaluated: 2026-03-17. Review status: criteria provided, single submitter. Criteria: LabCorp Variant Classification Summary - May 2015. Collection method: clinical testing. Allele origin: germline.
Comment: Variant summary: ADNP c.1594C>T (p.Arg532Trp) results in a non-conservative amino acid change in the encoded protein sequence. Algorithms developed to predict the effect of missense changes on protein structure and function are either unavailable or do not agree on the potential impact of this missense change. The variant was absent in 250960 control chromosomes. The available data on variant occurrences in the general population are insufficient to allow any conclusion about variant significance. c.1594C>T has been observed in an individual in a study on Autism Spectrum Disorder without clinical specification (Zhou_2022). These report(s) do not provide unequivocal conclusions about association of the variant with ADNP-Related Multiple Congenital Anomalies-Intellectual Disability-Autism Spectrum Disorder. To our knowledge, no experimental evidence demonstrating an impact on protein function has been reported. The following publication have been ascertained in the context of this evaluation (PMID: 35982159). No submitters have cited clinical-significance assessments for this variant to ClinVar. Based on the evidence outlined above, the variant was classified as uncertain significance.

Literature cited by the submitters: PubMed 35982159.

NM_001282531.3(ADNP):c.1594C>T (p.Arg532Trp)

Gene: ADNP (activity dependent neuroprotector homeobox; minus strand). Cytogenetic location: 20q13.13.
Variant type: single nucleotide variant.
Coding change: c.1594C>T on transcript NM_001282531.3 (MANE Select); coding-DNA position 1594, C replaced by T.
Protein change: p.Arg532Trp; replaces arginine 532 with tryptophan.
Molecular consequence: missense variant.
Genome position (GRCh38, 1-based): chr20:50,893,120, G>A on the plus strand (C>T on the coding strand, the complement: ADNP is on the minus strand). VCF-style: chr20-50893120-G-A. GRCh37 (hg19) VCF-style: chr20-49509657-G-A.
Other names: c.1594C>T, p.Arg532Trp (NM_001282532.2, NM_001347511.2, NM_015339.5 and 1 more transcripts); c.1810C>T, p.Arg604Trp (NM_001439000.1); c.910C>T, p.Arg304Trp (NM_001439001.1); short protein forms R304W, R532W, R604W.
Identifiers: ClinVar variation 4847142 (VCV004847142.1).